The following is an entry in ClinVar:

ClinVar aggregate classification (germline): Uncertain significance (1 of 4 stars; one submission).

gnomAD v4.1: 1 of 1,614,020 alleles (0.000062%); highest among the groups gnomAD compares: East Asian, 0.0022%; no homozygotes.

Submission:

Labcorp Genetics (formerly Invitae), Labcorp
Classification: Uncertain significance. Last evaluated: 2024-10-02. Review status: criteria provided, single submitter. Criteria: Invitae Variant Classification Sherloc (09022015). Collection method: clinical testing. Allele origin: germline.
Comment: This sequence change replaces arginine, which is basic and polar, with cysteine, which is neutral and slightly polar, at codon 363 of the CLCN2 protein (p.Arg363Cys). This variant is present in population databases (no rsID available, gnomAD 0.006%). This variant has not been reported in the literature in individuals affected with CLCN2-related conditions. An algorithm developed to predict the effect of missense changes on protein structure and function (PolyPhen-2) suggests that this variant is likely to be disruptive. In summary, the available evidence is currently insufficient to determine the role of this variant in disease. Therefore, it has been classified as a Variant of Uncertain Significance.

NM_004366.6(CLCN2):c.1087C>T (p.Arg363Cys)

Gene: CLCN2 (chloride voltage-gated channel 2; minus strand). Cytogenetic location: 3q27.1.
Variant type: single nucleotide variant.
Coding change: c.1087C>T on transcript NM_004366.6 (MANE Select); coding-DNA position 1087, C replaced by T.
Protein change: p.Arg363Cys; replaces arginine 363 with cysteine.
Molecular consequence: missense variant.
Genome position (GRCh38, 1-based): chr3:184,355,777, G>A on the plus strand (C>T on the coding strand, the complement: CLCN2 is on the minus strand). VCF-style: chr3-184355777-G-A. GRCh37 (hg19) VCF-style: chr3-184073565-G-A.
Other names: c.955C>T, p.Arg319Cys (NM_001171088.3); c.1087C>T, p.Arg363Cys (NM_001171089.3, NM_001171087.3); short protein forms R319C, R363C.
Identifiers: ClinVar variation 3715091 (VCV003715091.2).